The following is an entry in ClinVar:

NM_198525.3(KIF7):c.4002G>T (p.Gly1334=)

Gene: KIF7 (kinesin family member 7; minus strand). Cytogenetic location: 15q26.1.
Variant type: single nucleotide variant.
Coding change: c.4002G>T on transcript NM_198525.3 (MANE Select); coding-DNA position 4002, G replaced by T.
Protein change: p.Gly1334=; no amino-acid change (glycine 1334 retained).
Molecular consequence: synonymous variant.
Genome position (GRCh38, 1-based): chr15:89,628,449, C>A on the plus strand (G>T on the coding strand, the complement: KIF7 is on the minus strand). VCF-style: chr15-89628449-C-A. GRCh37 (hg19) VCF-style: chr15-90171680-C-A.
Identifiers: ClinVar variation 3033979 (VCV003033979.2), dbSNP rs1313527683, ClinGen allele CA492291898.

ClinVar aggregate classification (germline): Likely benign (0 of 4 stars; one submission).

Conditions:
KIF7-related disorder. Also called: KIF7-related condition.

gnomAD v4.1: 1 of 1,609,632 alleles (0.000062%); highest among the groups gnomAD compares: Non-Finnish European, 0.000085%; no homozygotes.

Submission:

PreventionGenetics, part of Exact Sciences
Classification: Likely benign for KIF7-related condition. Last evaluated: 2023-10-20. Review status: no assertion criteria provided. Collection method: clinical testing. Allele origin: germline.
Comment: This variant is classified as likely benign based on ACMG/AMP sequence variant interpretation guidelines (Richards et al. 2015 PMID: 25741868, with internal and published modifications).